The following is an entry in ClinVar:

NM_207391.3(RGS9BP):c.380G>C (p.Arg127Pro)

Gene: RGS9BP (regulator of G protein signaling 9 binding protein; plus strand). Cytogenetic location: 19q13.11.
Variant type: single nucleotide variant.
Coding change: c.380G>C on transcript NM_207391.3 (MANE Select); coding-DNA position 380, G replaced by C.
Protein change: p.Arg127Pro; replaces arginine 127 with proline.
Molecular consequence: missense variant.
Genome position (GRCh38, 1-based): chr19:32,676,643, G>C. VCF-style: chr19-32676643-G-C. GRCh37 (hg19) VCF-style: chr19-33167549-G-C.
Other names: short protein forms R127P.
Identifiers: ClinVar variation 1415501 (VCV001415501.6), dbSNP rs1386023312, ClinGen allele CA405186600.

ClinVar aggregate classification (germline): Uncertain significance (1 of 4 stars; one submission).

Allele frequency attached by ClinVar (database versions not stated): gnomAD exomes below 0.00001; gnomAD 0.00001; TOPMed 0.00001.

Submission:

Labcorp Genetics (formerly Invitae), Labcorp
Classification: Uncertain significance. Last evaluated: 2024-02-24. Review status: criteria provided, single submitter. Criteria: Invitae Variant Classification Sherloc (09022015). Collection method: clinical testing. Allele origin: germline.
Comment: This sequence change replaces arginine, which is basic and polar, with proline, which is neutral and non-polar, at codon 127 of the RGS9BP protein (p.Arg127Pro). This variant is not present in population databases (gnomAD no frequency). This variant has not been reported in the literature in individuals affected with RGS9BP-related conditions. ClinVar contains an entry for this variant (Variation ID: 1415501). An algorithm developed to predict the effect of missense changes on protein structure and function (PolyPhen-2) suggests that this variant is likely to be disruptive. In summary, the available evidence is currently insufficient to determine the role of this variant in disease. Therefore, it has been classified as a Variant of Uncertain Significance.